The following is an entry in ClinVar:

NM_152542.5(PPM1K):c.542-3T>C

Gene: PPM1K (protein phosphatase, Mg2+/Mn2+ dependent 1K; minus strand). Cytogenetic location: 4q22.1.
Variant type: single nucleotide variant.
Coding change: c.542-3T>C on transcript NM_152542.5 (MANE Select); 3 bases into the intron before coding-DNA position 542, T replaced by C.
Molecular consequence: intron variant.
Genome position (GRCh38, 1-based): chr4:88,268,909, A>G on the plus strand (T>C on the coding strand, the complement: PPM1K is on the minus strand). VCF-style: chr4-88268909-A-G. GRCh37 (hg19) VCF-style: chr4-89190061-A-G.
Identifiers: ClinVar variation 655372 (VCV000655372.11), dbSNP rs534271377, ClinGen allele CA3005210.

ClinVar aggregate classification (germline): Uncertain significance. Review status: criteria provided, single submitter (1 of 4 stars). 2 submissions from 2 submitters: Uncertain significance (1). 1 of the submissions does not count toward it. Last evaluated 2023-08-04.

Conditions:
PPM1K-related disorder. Also called: PPM1K-related condition.
Maple syrup urine disease, mild variant (MSUDMV). Identifiers: Orphanet 511, MedGen C3554575, MONDO:0014057, OMIM 615135.

Allele frequency attached by ClinVar (database versions not stated): gnomAD 0.00001 and 0.00006; TOPMed 0.00003; gnomAD exomes 0.00014 and 0.00023; ExAC 0.00032; 1000 Genomes Project 0.00060; 1000 Genomes Project 30x 0.00062.

Submissions (2):

Labcorp Genetics (formerly Invitae), Labcorp
Classification: Uncertain significance for Maple syrup urine disease, mild variant. Last evaluated: 2023-08-04. Review status: criteria provided, single submitter. Criteria: Invitae Variant Classification Sherloc (09022015). Collection method: clinical testing. Allele origin: germline.
Comment: In summary, the available evidence is currently insufficient to determine the role of this variant in disease. Therefore, it has been classified as a Variant of Uncertain Significance. Variants that disrupt the consensus splice site are a relatively common cause of aberrant splicing (PMID: 17576681, 9536098). Algorithms developed to predict the effect of sequence changes on RNA splicing suggest that this variant is not likely to affect RNA splicing. ClinVar contains an entry for this variant (Variation ID: 655372). This variant has not been reported in the literature in individuals affected with PPM1K-related conditions. This variant is present in population databases (rs534271377, gnomAD 0.2%), and has an allele count higher than expected for a pathogenic variant. This sequence change falls in intron 3 of the PPM1K gene. It does not directly change the encoded amino acid sequence of the PPM1K protein. It affects a nucleotide within the consensus splice site.

PreventionGenetics, part of Exact Sciences
Classification: Likely benign for PPM1K-related condition. Last evaluated: 2019-12-30. Review status: no assertion criteria provided. Collection method: clinical testing. Allele origin: germline. Not counted in ClinVar's aggregate classification.
Comment: This variant is classified as likely benign based on ACMG/AMP sequence variant interpretation guidelines (Richards et al. 2015 PMID: 25741868, with internal and published modifications).

Literature cited by the submitters: PubMed 17576681 (cited by Labcorp Genetics (formerly Invitae), Labcorp); PubMed 9536098 (cited by Labcorp Genetics (formerly Invitae), Labcorp).